The following is an entry in ClinVar:

NM_017841.4(SDHAF2):c.368C>T (p.Thr123Ile)

Gene: SDHAF2 (succinate dehydrogenase complex assembly factor 2; plus strand). Cytogenetic location: 11q12.2.
Variant type: single nucleotide variant.
Coding change: c.368C>T on transcript NM_017841.4 (MANE Select); coding-DNA position 368, C replaced by T.
Protein change: p.Thr123Ile; replaces threonine 123 with isoleucine.
Molecular consequence: missense variant.
Genome position (GRCh38, 1-based): chr11:61,438,111, C>T. VCF-style: chr11-61438111-C-T. GRCh37 (hg19) VCF-style: chr11-61205583-C-T.
Other names: short protein forms T123I.
Identifiers: ClinVar variation 5029215 (VCV005029215.1).

ClinVar aggregate classification (germline): Uncertain significance (1 of 4 stars; one submission).

Conditions:
Hereditary cancer-predisposing syndrome. Also called: Neoplastic Syndromes, Hereditary; Tumor predisposition; Hereditary neoplastic syndrome; Hereditary Cancer Syndrome. Identifiers: Orphanet 140162, MedGen C0027672, MeSH D009386, MONDO:0015356.

Submission:

Ambry Genetics
Classification: Uncertain significance for Hereditary cancer-predisposing syndrome. Last evaluated: 2026-07-07. Review status: criteria provided, single submitter. Criteria: Ambry Variant Classification Scheme 2023. Collection method: clinical testing. Allele origin: germline.
Comment: The p.T123I variant (also known as c.368C>T), located in coding exon 3 of the SDHAF2 gene, results from a C to T substitution at nucleotide position 368. The threonine at codon 123 is replaced by isoleucine, an amino acid with similar properties. This amino acid position is conserved. In addition, this alteration is predicted to be deleterious by in silico analysis. Based on the available evidence, the clinical significance of this variant remains unclear.